The following is an entry in ClinVar:

ClinVar aggregate classification (germline): drug response (0 of 4 stars; one submission).

Conditions:
Corticosteroids response. Also called: Corticosteroid response.

Allele frequency attached by ClinVar (database versions not stated): gnomAD exomes below 0.00001; gnomAD 0.00001; TOPMed 0.00001.
gnomAD v4.1: 3 of 1,613,896 alleles (0.00019%); highest among the groups gnomAD compares: African/African-American, 0.004%; no homozygotes.

Submission:

Genetic Testing Lab, Ashok and Rita Patel Institute of Integrated Study and Research in Biotechnology and Allied Sciences
Classification: drug response for Corticosteroid response. Last evaluated: 2020-01-12. Review status: no assertion criteria provided. Collection method: research. Allele origin: somatic. Affected: yes. Observed: 27 variant alleles.
Comment: Depending upon response to standard corticosteroid therapy, patients were classified to be either Steroid resistant (SRNS) or steroid sensitive (SSNS). Patients in remission within 4 weeks of corticosteroid therapy were classified as steroid sensitive nephrotic syndrome (SSNS). Patients not in remission within 4 weeks of corticosteroid therapy were classified as Steroid resistant nephrotic syndrome (SRNS).

NM_004621.6(TRPC6):c.1484A>G (p.Glu495Gly)

Gene: TRPC6 (transient receptor potential cation channel subfamily C member 6; minus strand). Cytogenetic location: 11q22.1.
Variant type: single nucleotide variant.
Coding change: c.1484A>G on transcript NM_004621.6 (MANE Select); coding-DNA position 1484, A replaced by G.
Protein change: p.Glu495Gly; replaces glutamic acid 495 with glycine.
Molecular consequence: missense variant.
Genome position (GRCh38, 1-based): chr11:101,482,975, T>C on the plus strand (A>G on the coding strand, the complement: TRPC6 is on the minus strand). VCF-style: chr11-101482975-T-C. GRCh37 (hg19) VCF-style: chr11-101353706-T-C.
Other names: short protein forms E495G.
Identifiers: ClinVar variation 981944 (VCV000981944.2), dbSNP rs1231955948, ClinGen allele CA382441304.